The following is an entry in ClinVar:

NM_012418.4(FSCN2):c.385G>A (p.Glu129Lys)

Gene: FSCN2 (fascin actin-bundling protein 2, retinal; plus strand). Cytogenetic location: 17q25.3.
Variant type: single nucleotide variant.
Coding change: c.385G>A on transcript NM_012418.4 (MANE Select); coding-DNA position 385, G replaced by A.
Protein change: p.Glu129Lys; replaces glutamic acid 129 with lysine.
Molecular consequence: missense variant.
Genome position (GRCh38, 1-based): chr17:81,528,916, G>A. VCF-style: chr17-81528916-G-A. GRCh37 (hg19) VCF-style: chr17-79495942-G-A.
Other names: c.385G>A, p.Glu129Lys (NM_001077182.3); c.385G>A (NM_001077182.2); short protein forms E129K.
Identifiers: ClinVar variation 1057813 (VCV001057813.10), dbSNP rs990052303, ClinGen allele CA295078565.
Genomic context (GRCh38, chr17:81,528,916, plus strand): 5'-CGCTTCTTCGGAGGCACCGAGGACCAGCTGTCCTGCTTCGCCACAGCCGTTTCCCCGGCC[G>A]AGCTGTGGACCGTGCACCTGGCCATCCACCCGCAGGCCCACCTGCTGAGCGTGAGCCGGC-3'
Protein context (NP_036550.1, residues 119-139): SCFATAVSPA[Glu129Lys]LWTVHLAIHP

ClinVar aggregate classification (germline): Uncertain significance. Review status: criteria provided, multiple submitters, no conflicts (2 of 4 stars). 2 submissions from 2 submitters: Uncertain significance (2). Last evaluated 2024-10-23.

Allele frequency attached by ClinVar (database versions not stated): gnomAD 0.00001 and 0.00002; TOPMed 0.00002.

Submissions (2):

Labcorp Genetics (formerly Invitae), Labcorp
Classification: Uncertain significance. Last evaluated: 2024-10-23. Review status: criteria provided, single submitter. Criteria: Invitae Variant Classification Sherloc (09022015). Collection method: clinical testing. Allele origin: germline.
Comment: This sequence change replaces glutamic acid, which is acidic and polar, with lysine, which is basic and polar, at codon 129 of the FSCN2 protein (p.Glu129Lys). This variant is not present in population databases (gnomAD no frequency). This variant has not been reported in the literature in individuals affected with FSCN2-related conditions. ClinVar contains an entry for this variant (Variation ID: 1057813). An algorithm developed to predict the effect of missense changes on protein structure and function (PolyPhen-2) suggests that this variant is likely to be disruptive. In summary, the available evidence is currently insufficient to determine the role of this variant in disease. Therefore, it has been classified as a Variant of Uncertain Significance.

Ambry Genetics
Classification: Uncertain significance. Last evaluated: 2023-08-05. Review status: criteria provided, single submitter. Criteria: Ambry Variant Classification Scheme 2023. Collection method: clinical testing. Allele origin: germline.